The following is an entry in ClinVar:

NM_002890.3(RASA1):c.1777-2A>T

Genes: CCNH (cyclin H; minus strand), RASA1 (RAS p21 protein activator 1; plus strand). Cytogenetic location: 5q14.3.
Variant type: single nucleotide variant.
Coding change: c.1777-2A>T on transcript NM_002890.3 (MANE Select); the canonical splice acceptor site of the intron before coding-DNA position 1777, A replaced by T.
Molecular consequence: splice acceptor variant. On other transcripts: intron variant (1).
Genome position (GRCh38, 1-based): chr5:87,374,161, A>T. VCF-style: chr5-87374161-A-T. GRCh37 (hg19) VCF-style: chr5-86669978-A-T.
Other names: c.1246-2A>T (NM_022650.3); c.933+20883T>A (NM_001364075.2).
Identifiers: ClinVar variation 858307 (VCV000858307.11), dbSNP rs1361155142, ClinGen allele CA360373492.

ClinVar aggregate classification (germline): Likely pathogenic (1 of 4 stars; one submission).

Conditions:
Capillary malformation-arteriovenous malformation syndrome. Also called: Capillary malformation-arteriovenous malformation. Identifiers: Orphanet 137667, MedGen C1842180, MONDO:0012016.

Submission:

Labcorp Genetics (formerly Invitae), Labcorp
Classification: Likely pathogenic for Capillary malformation-arteriovenous malformation syndrome. Last evaluated: 2019-05-23. Review status: criteria provided, single submitter. Criteria: Invitae Variant Classification Sherloc (09022015). Collection method: clinical testing. Allele origin: germline.
Comment: In summary, the currently available evidence indicates that the variant is pathogenic, but additional data are needed to prove that conclusively. Therefore, this variant has been classified as Likely Pathogenic. Donor and acceptor splice site variants typically lead to a loss of protein function (PMID: 16199547), and loss-of-function variants in RASA1 are known to be pathogenic (PMID: 24038909). This sequence change affects an acceptor splice site in intron 13 of the RASA1 gene. It is expected to disrupt RNA splicing and likely results in an absent or disrupted protein product. This variant is not present in population databases (ExAC no frequency).

Literature cited by the submitters: PubMed 16199547; PubMed 24038909.